The following is an entry in ClinVar:

NM_014141.6(CNTNAP2):c.3607G>A (p.Val1203Ile)

Gene: CNTNAP2 (contactin associated protein 2; plus strand). Cytogenetic location: 7q36.1.
Variant type: single nucleotide variant.
Coding change: c.3607G>A on transcript NM_014141.6 (MANE Select); coding-DNA position 3607, G replaced by A.
Protein change: p.Val1203Ile; replaces valine 1203 with isoleucine.
Molecular consequence: missense variant.
Genome position (GRCh38, 1-based): chr7:148,383,780, G>A. VCF-style: chr7-148383780-G-A. GRCh37 (hg19) VCF-style: chr7-148080872-G-A.
Other names: p.V1203I:GTC>ATC; short protein forms V1203I.
Identifiers: ClinVar variation 205289 (VCV000205289.12), dbSNP rs745397865, ClinGen allele CA314212.

ClinVar aggregate classification (germline): Uncertain significance. Review status: criteria provided, multiple submitters, no conflicts (2 of 4 stars). 3 submissions from 3 submitters: Uncertain significance (3). Last evaluated 2022-10-25.

Conditions:
Cortical dysplasia-focal epilepsy syndrome (PTHSL1). Also called: Pitt-Hopkins-like syndrome 1. Identifiers: Orphanet 163681, Orphanet 221150, MedGen C2750246, MONDO:0012400, OMIM 610042.
Inborn genetic diseases. Identifiers: MedGen C0950123, MeSH D030342.

Allele frequency attached by ClinVar (database versions not stated): gnomAD exomes 0.00001 and 0.00004; ExAC 0.00002; TOPMed 0.00004.
gnomAD v4.1: 28 of 1,614,038 alleles (0.0017%); highest among the groups gnomAD compares: Admixed American, 0.02%; no homozygotes.

Submissions (3):

Labcorp Genetics (formerly Invitae), Labcorp
Classification: Uncertain significance for Cortical dysplasia-focal epilepsy syndrome. Last evaluated: 2022-10-25. Review status: criteria provided, single submitter. Criteria: Invitae Variant Classification Sherloc (09022015). Collection method: clinical testing. Allele origin: germline.
Comment: This sequence change replaces valine, which is neutral and non-polar, with isoleucine, which is neutral and non-polar, at codon 1203 of the CNTNAP2 protein (p.Val1203Ile). This variant is present in population databases (rs745397865, gnomAD 0.02%). This variant has not been reported in the literature in individuals affected with CNTNAP2-related conditions. ClinVar contains an entry for this variant (Variation ID: 205289). Algorithms developed to predict the effect of missense changes on protein structure and function (SIFT, PolyPhen-2, Align-GVGD) all suggest that this variant is likely to be tolerated. In summary, the available evidence is currently insufficient to determine the role of this variant in disease. Therefore, it has been classified as a Variant of Uncertain Significance.

Ambry Genetics
Classification: Uncertain significance for Inborn genetic diseases. Last evaluated: 2021-07-20. Review status: criteria provided, single submitter. Criteria: Ambry Variant Classification Scheme 2023. Collection method: clinical testing. Allele origin: germline.

GeneDx
Classification: Uncertain significance. Last evaluated: 2019-07-09. Review status: criteria provided, single submitter. Criteria: GeneDx Variant Classification Process June 2021. Collection method: clinical testing. Allele origin: germline. Affected: yes.
Comment: In silico analysis, which includes protein predictors and evolutionary conservation, supports that this variant does not alter protein structure/function; Has not been previously published as pathogenic or benign to our knowledge